The following is an entry in ClinVar:

NM_001377.3(DYNC2H1):c.4053T>C (p.Tyr1351=)

Gene: DYNC2H1 (dynein cytoplasmic 2 heavy chain 1; plus strand). Cytogenetic location: 11q22.3.
Variant type: single nucleotide variant.
Coding change: c.4053T>C on transcript NM_001377.3 (MANE Select); coding-DNA position 4053, T replaced by C.
Protein change: p.Tyr1351=; no amino-acid change (tyrosine 1351 retained).
Molecular consequence: synonymous variant.
Genome position (GRCh38, 1-based): chr11:103,156,696, T>C. VCF-style: chr11-103156696-T-C. GRCh37 (hg19) VCF-style: chr11-103027425-T-C.
Other names: c.4053T>C, p.Tyr1351= (NM_001080463.2).
Identifiers: ClinVar variation 618076 (VCV000618076.19), dbSNP rs372246714, ClinGen allele CA6253448.
Genomic context (GRCh38, chr11:103,156,696, plus strand): 5'-ACTTGCAGAGTTAGATGAATACCTGCAGAATTTAAATCATATTCAGAGAAAGTGGGTGTA[T>C]TTGGAACCCATTTTCGGCCGTGGAGCATTGCCAAAAGAACAGACACGCTTCAACAGAGTT-3'
Protein context (NP_001368.2, residues 1341-1361): NLNHIQRKWV[Tyr1351=]LEPIFGRGAL

ClinVar aggregate classification (germline): Likely benign. Review status: criteria provided, multiple submitters, no conflicts (2 of 4 stars). 4 submissions from 4 submitters: Likely benign (3). 1 of the submissions does not count toward it. Last evaluated 2025-10-13.

Conditions:
Jeune thoracic dystrophy. Also called: Jeune syndrome; Infantile thoracic dystrophy; Thoracic pelvic phalangeal dystrophy; Jeune's syndrome; Chondroectodermal dysplasia-like syndrome; Short-rib thoracic dysplasia. Identifiers: Orphanet 474, MedGen C0265275, MONDO:0018770.
DYNC2H1-related disorder. Also called: DYNC2H1-related disorders; DYNC2H1-related condition. Identifiers: MedGen CN378770.

Allele frequency attached by ClinVar (database versions not stated): gnomAD exomes 0.00001 and 0.00005; ExAC 0.00006; TOPMed 0.00026; ESP Exome Variant Server 0.00008; 1000 Genomes Project 30x 0.00016; 1000 Genomes Project 0.00020; gnomAD 0.00023 and 0.00026.
gnomAD v4.1: 57 of 1,613,290 alleles (0.0035%); highest among the groups gnomAD compares: African/African-American, 0.072%; no homozygotes.

Submissions (4):

Labcorp Genetics (formerly Invitae), Labcorp
Classification: Likely benign for Jeune thoracic dystrophy. Last evaluated: 2025-10-13. Review status: criteria provided, single submitter. Criteria: Invitae Variant Classification Sherloc (09022015). Collection method: clinical testing. Allele origin: germline.

Blueprint Genetics
Classification: Likely benign. Last evaluated: 2022-09-08. Review status: criteria provided, single submitter. Criteria: ACMG Guidelines, 2015. Collection method: clinical testing. Allele origin: germline.

ARUP Laboratories, Molecular Genetics and Genomics, ARUP Laboratories
Classification: Likely benign. Last evaluated: 2017-10-24. Review status: criteria provided, single submitter. Criteria: ARUP Molecular Germline Variant Investigation Process. Collection method: clinical testing. Allele origin: germline.

PreventionGenetics, part of Exact Sciences
Classification: Likely benign for DYNC2H1-related condition. Last evaluated: 2023-04-10. Review status: no assertion criteria provided. Collection method: clinical testing. Allele origin: germline. Not counted in ClinVar's aggregate classification.
Comment: This variant is classified as likely benign based on ACMG/AMP sequence variant interpretation guidelines (Richards et al. 2015 PMID: 25741868, with internal and published modifications).